The following is an entry in ClinVar:

NM_005219.5(DIAPH1):c.1756C>T (p.Pro586Ser)

Gene: DIAPH1 (diaphanous related formin 1; minus strand). Cytogenetic location: 5q31.3.
Variant type: single nucleotide variant.
Coding change: c.1756C>T on transcript NM_005219.5 (MANE Select); coding-DNA position 1756, C replaced by T.
Protein change: p.Pro586Ser; replaces proline 586 with serine.
Molecular consequence: missense variant.
Genome position (GRCh38, 1-based): chr5:141,574,094, G>A on the plus strand (C>T on the coding strand, the complement: DIAPH1 is on the minus strand). VCF-style: chr5-141574094-G-A. GRCh37 (hg19) VCF-style: chr5-140953661-G-A.
Other names: c.1729C>T, p.Pro577Ser (NM_001079812.3); c.1756C>T, p.Pro586Ser (NM_001314007.2); short protein forms P577S, P586S.
Identifiers: ClinVar variation 1928571 (VCV001928571.5), dbSNP rs749357702, ClinGen allele CA3479217.

ClinVar aggregate classification (germline): Uncertain significance (1 of 4 stars; one submission).

Conditions:
Progressive microcephaly-seizures-cortical blindness-developmental delay syndrome. Also called: Seizures, cortical blindness, and microcephaly syndrome. Identifiers: Orphanet 477814, MedGen C5567650, MONDO:0014714, OMIM 616632.
Autosomal dominant nonsyndromic hearing loss 1. Also called: KONIGSMARK SYNDROME; DEAFNESS, AUTOSOMAL DOMINANT 1, WITH OR WITHOUT THROMBOCYTOPENIA. Identifiers: Orphanet 90635, MedGen C1852282, MONDO:0007424, OMIM 124900.

Allele frequency attached by ClinVar (database versions not stated): gnomAD exomes below 0.00001.
gnomAD v4.1: 2 of 1,613,726 alleles (0.00012%); highest among the groups gnomAD compares: Admixed American, 0.0017%; no homozygotes.

Submission:

Labcorp Genetics (formerly Invitae), Labcorp
Classification: Uncertain significance for Progressive microcephaly-seizures-cortical blindness-developmental delay syndrome; Autosomal dominant nonsyndromic hearing loss 1. Last evaluated: 2024-07-23. Review status: criteria provided, single submitter. Criteria: Invitae Variant Classification Sherloc (09022015). Collection method: clinical testing. Allele origin: germline.
Comment: This sequence change replaces proline, which is neutral and non-polar, with serine, which is neutral and polar, at codon 586 of the DIAPH1 protein (p.Pro586Ser). This variant is present in population databases (rs749357702, gnomAD 0.003%). This variant has not been reported in the literature in individuals affected with DIAPH1-related conditions. ClinVar contains an entry for this variant (Variation ID: 1928571). An algorithm developed to predict the effect of missense changes on protein structure and function outputs the following: PolyPhen-2: "Not Available". The serine amino acid residue is found in multiple mammalian species, which suggests that this missense change does not adversely affect protein function. In summary, the available evidence is currently insufficient to determine the role of this variant in disease. Therefore, it has been classified as a Variant of Uncertain Significance.